The following is an entry in ClinVar:

ClinVar aggregate classification (germline): Likely benign. Review status: reviewed by expert panel (3 of 4 stars). 2 submissions from 2 submitters: Likely benign (1). 1 of the submissions does not count toward it. Last evaluated 2022-06-06.

Conditions:
Arginine:glycine amidinotransferase deficiency (CCDS3). Also called: AGAT deficiency; Creatine deficiency syndrome due to AGAT deficiency; GATM deficiency; Cerebral creatine deficiency syndrome 3; L-Arginine:Glycine Amidinotransferase Deficiency; L-Arginine:Glycine Amidinotransferase (AGAT) Deficiency. Identifiers: Orphanet 35704, MedGen C2675179, MONDO:0012996, OMIM 612718.

Submissions (2):

ClinGen Cerebral Creatine Deficiency Syndromes Variant Curation Expert Panel, ClinGen
Classification: Likely benign for Arginine:glycine amidinotransferase deficiency. Last evaluated: 2022-06-06. Review status: reviewed by expert panel. Criteria: ClinGen_CCDS_ACMG_Specifications_GATM_v1.1. Collection method: curation. Allele origin: germline. Inheritance: Autosomal recessive inheritance.
Comment: The NM_001482.3:c.1245A>C (p.Arg415=) variant in GATM is a synonymous (silent) variant that is not predicted by SpliceAI to impact splicing. In addition, it occurs at a nucleotide that is not highly conserved as shown by PhyloP (BP7). This variant is absent in gnomAD v2.1.1 (PM2_Supporting). The computational splicing predictor SpliceAI gives a score of 0.0 for donor and acceptor loss suggesting that the variant has no impact on splicing (BP4). There is a ClinVar entry for this variant (Variation ID: 386277). Although this variant is rare (meeting PM2_Supporting), it has been classified as likely benign by the ClinGen Creatine Deficiency Syndromes (CCDS) Variant Curation Expert Panel (VCEP) based on the recommendation of Richards et al (PMID: 25741868) because it is a synonymous variant, the altered nucleotide is not highly conserved, computational prediction suggests no impact on splicing, and there is no additional evidence to suggest that the variant is disease-causing. GATM-specific ACMG/AMP criteria applied, as specified by the CCDS VCEP (Specifications Version 1.1.0): PM2_Supporting, BP4, BP7. (Classification approved by the ClinGen CCDS VCEP on June 6, 2022).

GeneDx
Classification: Likely benign. Last evaluated: 2016-06-03. Review status: criteria provided, single submitter. Criteria: GeneDx Variant Classification (06012015). Collection method: clinical testing. Allele origin: germline. Affected: yes. Not counted in ClinVar's aggregate classification.
Comment: This variant is considered likely benign or benign based on one or more of the following criteria: it is a conservative change, it occurs at a poorly conserved position in the protein, it is predicted to be benign by multiple in silico algorithms, and/or has population frequency not consistent with disease.

NM_001482.3(GATM):c.1245A>C (p.Arg415=)

Gene: GATM (glycine amidinotransferase; minus strand). Cytogenetic location: 15q21.1.
Variant type: single nucleotide variant.
Coding change: c.1245A>C on transcript NM_001482.3 (MANE Select); coding-DNA position 1245, A replaced by C.
Protein change: p.Arg415=; no amino-acid change (arginine 415 retained).
Molecular consequence: synonymous variant.
Genome position (GRCh38, 1-based): chr15:45,362,136, T>G on the plus strand (A>C on the coding strand, the complement: GATM is on the minus strand). VCF-style: chr15-45362136-T-G. GRCh37 (hg19) VCF-style: chr15-45654334-T-G.
Other names: NM_001482.3(GATM):c.1245A>C; p.Arg415=; c.858A>C, p.Arg286= (NM_001321015.2).
Identifiers: ClinVar variation 386277 (VCV000386277.2), dbSNP rs1057522467, ClinGen allele CA16607074.